The following is an entry in ClinVar:

ClinVar aggregate classification (germline): Uncertain significance (1 of 4 stars; one submission).

Submission:

GeneDx
Classification: Uncertain significance. Last evaluated: 2021-11-17. Review status: criteria provided, single submitter. Criteria: GeneDx Variant Classification Process June 2021. Collection method: clinical testing. Allele origin: germline. Affected: yes.
Comment: Not observed at significant frequency in large population cohorts (gnomAD); In silico analysis supports that this missense variant has a deleterious effect on protein structure/function; Has not been previously published as pathogenic or benign to our knowledge

NM_001330311.2(DVL1):c.1751G>C (p.Arg584Pro)

Gene: DVL1 (dishevelled segment polarity protein 1; minus strand). Cytogenetic location: 1p36.33.
Variant type: single nucleotide variant.
Coding change: c.1751G>C on transcript NM_001330311.2 (MANE Select); coding-DNA position 1751, G replaced by C.
Protein change: p.Arg584Pro; replaces arginine 584 with proline.
Molecular consequence: missense variant.
Genome position (GRCh38, 1-based): chr1:1,336,479, C>G on the plus strand (G>C on the coding strand, the complement: DVL1 is on the minus strand). VCF-style: chr1-1336479-C-G. GRCh37 (hg19) VCF-style: chr1-1271859-C-G.
Other names: c.1676G>C, p.Arg559Pro (NM_004421.3); short protein forms R559P, R584P.
Identifiers: ClinVar variation 1686740 (VCV001686740.2), dbSNP rs1388656343, ClinGen allele CA337857088.